The following is an entry in ClinVar:

NM_000104.4(CYP1B1):c.742C>T (p.Gln248Ter)

Gene: CYP1B1 (cytochrome P450 family 1 subfamily B member 1; minus strand). Cytogenetic location: 2p22.2.
Variant type: single nucleotide variant.
Coding change: c.742C>T on transcript NM_000104.4 (MANE Select); coding-DNA position 742, C replaced by T.
Protein change: p.Gln248Ter; replaces glutamine 248 with a stop codon.
Molecular consequence: nonsense.
Genome position (GRCh38, 1-based): chr2:38,074,647, G>A on the plus strand (C>T on the coding strand, the complement: CYP1B1 is on the minus strand). VCF-style: chr2-38074647-G-A. GRCh37 (hg19) VCF-style: chr2-38301790-G-A.
Other names: NM_000104.4:c.742C>T; short protein forms Q248*.
Identifiers: ClinVar variation 5018475 (VCV005018475.1).

ClinVar aggregate classification (germline): Pathogenic (3 of 4 stars; one submission).

Conditions:
CYP1B1-related glaucoma with or without anterior segment dysgenesis. Identifiers: MedGen CN375931, MONDO:0800472.

Submission:

ClinGen Glaucoma Variant Curation Expert Panel
Classification: Pathogenic for CYP1B1-related glaucoma with or without anterior segment dysgenesis. Last evaluated: 2026-10-12. Review status: reviewed by expert panel. Criteria: ClinGen Glaucoma ACMG Specifications CYP1B1 V2.0. Collection method: curation. Allele origin: germline. Inheritance: Autosomal recessive inheritance.
Comment: The c.742C>T variant in CYP1B1 is predicted to cause a change in the length of the protein due to the insertion of a terminating codon instead of the usual Glutamine at amino acid 248 (p.Gln248Ter). This variant was not found in any genetic ancestry group of gnomAD (v4.1), meeting the ≤ 0.0005 threshold set for PM2_Supporting in a genetic ancestry group of at least 2,000 alleles. This nonsense variant was predicted to undergo NMD, meeting PVS1. There was no functional evidence predicting a damaging or benign impact of this variant on CYP1B1 function. 3 affected segregations with a CYP1B1-related phenotype have been reported (PMID: 14635112), however the phase was not confirmed in trans, therefore PP1 could not be applied. This variant has been identified in an individual with a CYP1B1-related phenotype. This individual is compound heterozygous for the variant and a pathogenic variant (phase unknown) (PMID: 14635112). Total proband points = 0.5, meeting PM3_Supporting. In summary, this variant met the criteria to receive a score of 10 and to be classified as pathogenic (pathogenic classification ≥ 10, adapted from PMID: 32720330) for CYP1B1-related glaucoma with or without anterior segment dysgenesis (ASD) based on the ACMG/AMP criteria met, as specified by the ClinGen Glaucoma VCEP (v2.0, 16.07.2026): PVS1, PM2_Supporting, PM3_Supporting.